The following is an entry in ClinVar:

NM_001267550.2(TTN):c.69491_69492del (p.Val23164fs)

Genes: TTN (titin; minus strand), TTN-AS1 (TTN antisense RNA 1; plus strand). Cytogenetic location: 2q31.2.
Variant type: Deletion.
Coding change: c.69491_69492del on transcript NM_001267550.2 (MANE Select); coding-DNA positions 69491 to 69492, 2 bases deleted (TG; older notation c.69491_69492delTG).
Protein change: p.Val23164fs; shifts the reading frame from valine 23164.
Molecular consequence: frameshift variant.
Genome position (GRCh38, 1-based): chr2:178,576,752-178,576,753, CA deleted on the plus strand (TG on the coding strand, the reverse complement: TTN is on the minus strand); deleting any 2 consecutive bases within chr2:178,576,752-178,576,754 gives the same sequence; the c. name uses the placement nearest the transcript's 3' end. VCF-style (leftmost placement, unchanged base first): chr2-178576751-CCA-C. GRCh37 (hg19) VCF-style: chr2-179441478-CCA-C.
Other names: c.64568_64569del, p.Val21523fs (NM_001256850.1); c.42296_42297del, p.Val14099fs (NM_003319.4); c.61787_61788del, p.Val20596fs (NM_133378.4); c.42671_42672del, p.Val14224fs (NM_133432.3); c.42872_42873del, p.Val14291fs (NM_133437.4); c.69491_69492del (NM_001267550.1); c.69491_69492delTG (LRG_391t1); short protein forms V14099fs, V20596fs, V23164fs, V14291fs, V14224fs, V21523fs.
Identifiers: ClinVar variation 223379 (VCV000223379.11), dbSNP rs869312113, ClinGen allele CA353093.
Genomic context (GRCh38, chr2:178,576,751, plus strand): 5'-GCAGGCTTTTCTTTTCTCTCCTTTCTACATGATATCCTGTAATTTCGCTGCCACCATCAT[CCA>C]CTGGCCTTTTCCAGCTGACAGTGGCAGTGTTCTTAGTGACATTTGATACCTCTGGTTTTT-3'

ClinVar aggregate classification (germline): Pathogenic/Likely pathogenic. Review status: criteria provided, multiple submitters, no conflicts (2 of 4 stars). 4 submissions from 4 submitters: Pathogenic (1); Likely pathogenic (3). Last evaluated 2025-05-05.

Conditions:
Autosomal recessive limb-girdle muscular dystrophy type 2J (LGMDR10). Also called: Limb-girdle muscular dystrophy, type 2J; MUSCULAR DYSTROPHY, LIMB-GIRDLE, AUTOSOMAL RECESSIVE 10. Identifiers: Orphanet 140922, MedGen C1837342, MONDO:0012127, OMIM 608807.
Dilated cardiomyopathy 1G (CMD1G). Identifiers: Orphanet 154, MedGen C1858763, MONDO:0011400, OMIM 604145.
Primary dilated cardiomyopathy (DCM). Also called: Dilated Cardiomyopathy. Identifiers: Orphanet 217604, MedGen C0007193, MeSH D002311, MONDO:0005021, HP:0001644. Inheritance: Various modes of inheritance.
TTN-related disorder. Also called: TTN-related disorders; TTN-related condition; TTN-related disease.

Submissions (4):

Labcorp Genetics (formerly Invitae), Labcorp
Classification: Likely pathogenic for Dilated cardiomyopathy 1G; Autosomal recessive limb-girdle muscular dystrophy type 2J. Last evaluated: 2025-05-05. Review status: criteria provided, single submitter. Criteria: Invitae Variant Classification Sherloc (09022015). Collection method: clinical testing. Allele origin: germline.
Comment: This sequence change creates a premature translational stop signal (p.Val23164Glyfs*2) in the TTN gene. While this is not anticipated to result in nonsense mediated decay, it is expected to create a truncated TTN protein. This variant is not present in population databases (gnomAD no frequency). This premature translational stop signal has been observed in individual(s) with dilated cardiomyopathy (PMID: 25589632). ClinVar contains an entry for this variant (Variation ID: 223379). This variant is located in the A band of TTN (PMID: 25589632). Truncating variants in this region are significantly overrepresented in patients affected with dilated cardiomyopathy (PMID: 25589632). Truncating variants in this region have also been reported in individuals affected with autosomal recessive centronuclear myopathy (PMID: 23975875). In summary, the currently available evidence indicates that the variant is pathogenic, but additional data are needed to prove that conclusively. Therefore, this variant has been classified as Likely Pathogenic.

GeneDx
Classification: Likely pathogenic. Last evaluated: 2024-12-20. Review status: criteria provided, single submitter. Criteria: GeneDx Variant Classification Process June 2021. Collection method: clinical testing. Allele origin: germline. Affected: yes.
Comment: Frameshift variant predicted to result in protein truncation or nonsense mediated decay in a gene for which loss of function is a known mechanism of disease; Located in the A-band, a region of TTN for which truncating variants are significantly associated with autosomal dominant cardiomyopathy and also with autosomal recessive skeletal myopathies (PMID: 22335739, 32778822); Not observed at significant frequency in large population cohorts (gnomAD); This variant is associated with the following publications: (PMID: 25589632, 29961767)

Blueprint Genetics
Classification: Pathogenic for TTN-related disorders. Last evaluated: 2023-06-21. Review status: criteria provided, single submitter. Criteria: ACMG Guidelines, 2015. Collection method: clinical testing. Allele origin: germline. Affected: yes. Observed: 4 variant alleles.

Cardiovascular Biomedical Research Unit, Royal Brompton & Harefield NHS Foundation Trust
Classification: Likely pathogenic for Primary dilated cardiomyopathy. Last evaluated: 2014-10-08. Review status: criteria provided, single submitter. Criteria: Roberts et al. 2015. Collection method: research. Allele origin: germline. Inheritance: Autosomal dominant inheritance. Affected: yes. Observed: 1 variant allele. Study: Familial DCM.
Comment: In the seven cohorts assessed, TTNtv were found in 14% of ambulant DCM, 22% end-stage or familial DCM, and 2% controls. Heterozygous nonsense, frameshift and canonical splice-disrupting variants found in constitutive and other highly utilised exons are highly likely to be pathogenic when identified in individuals with phenotypically confirmed DCM. TTNtv found incidentally in healthy individuals (excluding familial assessment of DCM relatives) are thought to have low penetrance, particularly when identified in exons that are not constitutively expressed in the heart.

Literature cited by the submitters: PubMed 25589632 (cited by Labcorp Genetics (formerly Invitae), Labcorp); PubMed 23975875 (cited by Labcorp Genetics (formerly Invitae), Labcorp).